The following is an entry in ClinVar:

NM_001142864.4(PIEZO1):c.5438C>T (p.Pro1813Leu)

Gene: PIEZO1 (piezo type mechanosensitive ion channel component 1 (Er blood group); minus strand). Cytogenetic location: 16q24.3.
Variant type: single nucleotide variant.
Coding change: c.5438C>T on transcript NM_001142864.4 (MANE Select); coding-DNA position 5438, C replaced by T.
Protein change: p.Pro1813Leu; replaces proline 1813 with leucine.
Molecular consequence: missense variant.
Genome position (GRCh38, 1-based): chr16:88,721,396, G>A on the plus strand (C>T on the coding strand, the complement: PIEZO1 is on the minus strand). VCF-style: chr16-88721396-G-A. GRCh37 (hg19) VCF-style: chr16-88787804-G-A.
Other names: c.3980C>T, p.Pro1327Leu (NM_014745.1); short protein forms P1327L, P1813L.
Identifiers: ClinVar variation 2472537 (VCV002472537.4), dbSNP rs1264762836, ClinGen allele CA397091116.

ClinVar aggregate classification (germline): Conflicting classifications of pathogenicity. Review status: criteria provided, conflicting classifications (1 of 4 stars). 2 submissions from 2 submitters: Uncertain significance (1); Likely benign (1). Last evaluated 2025-09-09.

Conditions:
Inborn genetic diseases. Identifiers: MedGen C0950123, MeSH D030342.

Allele frequency attached by ClinVar (database versions not stated): gnomAD 0.00001; TOPMed 0.00002; gnomAD exomes 0.00001.
gnomAD v4.1: 7 of 1,549,752 alleles (0.00045%); highest among the groups gnomAD compares: Non-Finnish European, 0.00061%; no homozygotes.

Submissions (2):

Labcorp Genetics (formerly Invitae), Labcorp
Classification: Uncertain significance. Last evaluated: 2025-09-09. Review status: criteria provided, single submitter. Criteria: Invitae Variant Classification Sherloc (09022015). Collection method: clinical testing. Allele origin: germline.
Comment: This sequence change replaces proline, which is neutral and non-polar, with leucine, which is neutral and non-polar, at codon 1813 of the PIEZO1 protein (p.Pro1813Leu). This variant is not present in population databases (gnomAD no frequency). This variant has not been reported in the literature in individuals affected with PIEZO1-related conditions. ClinVar contains an entry for this variant (Variation ID: 2472537). Invitae Evidence Modeling of protein sequence and biophysical properties (such as structural, functional, and spatial information, amino acid conservation, physicochemical variation, residue mobility, and thermodynamic stability) indicates that this missense variant is not expected to disrupt PIEZO1 protein function with a negative predictive value of 80%. In summary, the available evidence is currently insufficient to determine the role of this variant in disease. Therefore, it has been classified as a Variant of Uncertain Significance.

Ambry Genetics
Classification: Likely benign for Inborn genetic diseases. Last evaluated: 2023-02-15. Review status: criteria provided, single submitter. Criteria: Ambry Variant Classification Scheme 2023. Collection method: clinical testing. Allele origin: germline.